The following is an entry in ClinVar:

NM_000186.4(CFH):c.3110G>A (p.Trp1037Ter)

Gene: CFH (complement factor H; plus strand). Cytogenetic location: 1q31.3.
Variant type: single nucleotide variant.
Coding change: c.3110G>A on transcript NM_000186.4 (MANE Select); coding-DNA position 3110, G replaced by A.
Protein change: p.Trp1037Ter; replaces tryptophan 1037 with a stop codon.
Molecular consequence: nonsense.
Genome position (GRCh38, 1-based): chr1:196,742,028, G>A. VCF-style: chr1-196742028-G-A. GRCh37 (hg19) VCF-style: chr1-196711158-G-A.
Other names: short protein forms W1037*.
Identifiers: ClinVar variation 4291535 (VCV004291535.2).

ClinVar aggregate classification (germline): Pathogenic (1 of 4 stars; one submission).

Conditions:
Atypical hemolytic-uremic syndrome. Identifiers: Orphanet 2134, MedGen C2931788, MONDO:0016244.
Age related macular degeneration 4. Identifiers: MedGen C1853147, MONDO:0012540, OMIM 610698.

Submission:

Genomenon, Inc
Classification: Pathogenic for Age related macular degeneration 4; Atypical hemolytic-uremic syndrome. Last evaluated: 2026-09-17. Review status: criteria provided, single submitter. Criteria: Genomenon Sequence Variant Interpretation Standards - Updated. Collection method: curation. Allele origin: germline. Affected: yes.
Comment: CFH p.Trp1037Ter (c.3110G>A) is a nonsense variant that introduces a premature stop codon at amino acid position 1037 and is predicted to result in a truncated or absent protein product. This variant has been observed in at least one proband affected with a CFH-related disorder (PMID: 26501415; 28941939). Functional studies have been reported (PMID: 28941939). It is absent or not present at a significant frequency in gnomAD. In conclusion, we classify CFH p.Trp1037Ter (c.3110G>A) as a pathogenic variant.

Literature cited by the submitters: PubMed 26501415; PubMed 28941939.